The following is an entry in ClinVar:

ClinVar aggregate classification (germline): Likely benign (0 of 4 stars; one submission).

Conditions:
COL5A1-related disorder. Also called: COL5A1-related condition.

Allele frequency attached by ClinVar (database versions not stated): gnomAD exomes below 0.00001; ExAC 0.00001; TOPMed 0.00001.
gnomAD v4.1: 2 of 1,613,902 alleles (0.00012%); highest among the groups gnomAD compares: Non-Finnish European, 0.00017%; no homozygotes.

Submission:

PreventionGenetics, part of Exact Sciences
Classification: Likely benign for COL5A1-related condition. Last evaluated: 2023-07-21. Review status: no assertion criteria provided. Collection method: clinical testing. Allele origin: germline.
Comment: This variant is classified as likely benign based on ACMG/AMP sequence variant interpretation guidelines (Richards et al. 2015 PMID: 25741868, with internal and published modifications).

NM_000093.5(COL5A1):c.2232+6T>C

Gene: COL5A1 (collagen type V alpha 1 chain; plus strand). Cytogenetic location: 9q34.3.
Variant type: single nucleotide variant.
Coding change: c.2232+6T>C on transcript NM_000093.5 (MANE Select); 6 bases into the intron after coding-DNA position 2232, T replaced by C.
Molecular consequence: intron variant.
Genome position (GRCh38, 1-based): chr9:134,767,360, T>C. VCF-style: chr9-134767360-T-C. GRCh37 (hg19) VCF-style: chr9-137659206-T-C.
Other names: c.2232+6T>C (NM_001278074.1).
Identifiers: ClinVar variation 3047113 (VCV003047113.2), dbSNP rs757713020, ClinGen allele CA5319213.